The following is an entry in ClinVar:

NM_001365951.3(KIF1B):c.4304C>T (p.Ser1435Leu)

Gene: KIF1B (kinesin family member 1B; plus strand). Cytogenetic location: 1p36.22.
Variant type: single nucleotide variant.
Coding change: c.4304C>T on transcript NM_001365951.3 (MANE Select); coding-DNA position 4304, C replaced by T.
Protein change: p.Ser1435Leu; replaces serine 1435 with leucine.
Molecular consequence: missense variant.
Genome position (GRCh38, 1-based): chr1:10,361,825, C>T. VCF-style: chr1-10361825-C-T. GRCh37 (hg19) VCF-style: chr1-10421883-C-T.
Other names: c.4304C>T, p.Ser1435Leu (NM_001365952.1); c.4166C>T, p.Ser1389Leu (NM_015074.3); short protein forms S1389L, S1435L.
Identifiers: ClinVar variation 1486149 (VCV001486149.8), dbSNP rs776370957, ClinGen allele CA582030.

ClinVar aggregate classification (germline): Uncertain significance. Review status: criteria provided, multiple submitters, no conflicts (2 of 4 stars). 2 submissions from 2 submitters: Uncertain significance (2). Last evaluated 2023-01-03.

Conditions:
Charcot-Marie-Tooth disease type 2. Also called: Charcot-Marie-Tooth type 2. Identifiers: Orphanet 64746, MedGen C0270914, MONDO:0018993.

Allele frequency attached by ClinVar (database versions not stated): TOPMed below 0.00001; ExAC 0.00002; gnomAD 0.00002; gnomAD exomes 0.00001 and 0.00002.
gnomAD v4.1: 17 of 1,613,614 alleles (0.0011%); highest among the groups gnomAD compares: East Asian, 0.0067%; no homozygotes.

Submissions (2):

Ambry Genetics
Classification: Uncertain significance. Last evaluated: 2023-01-03. Review status: criteria provided, single submitter. Criteria: Ambry Variant Classification Scheme 2023. Collection method: clinical testing. Allele origin: germline.
Comment: The c.4166C>T variant (also known as p.S1389L), located in coding exon 37 of the KIF1B gene, results from a C to T substitution at nucleotide position 4166. The amino acid change results in serine to leucine at codon 1389, an amino acid with dissimilar properties. However, this change occurs in the last base pair of coding exon 37, which makes it likely to have some effect on normal mRNA splicing. This amino acid position is not well conserved in available vertebrate species. In addition, the in silico prediction for this alteration is inconclusive. Since supporting evidence is limited at this time, the clinical significance of this alteration remains unclear.

Labcorp Genetics (formerly Invitae), Labcorp
Classification: Uncertain significance for Charcot-Marie-Tooth disease type 2. Last evaluated: 2022-07-10. Review status: criteria provided, single submitter. Criteria: Invitae Variant Classification Sherloc (09022015). Collection method: clinical testing. Allele origin: germline.
Comment: In summary, the available evidence is currently insufficient to determine the role of this variant in disease. Therefore, it has been classified as a Variant of Uncertain Significance. Algorithms developed to predict the effect of sequence changes on RNA splicing suggest that this variant may disrupt the consensus splice site. Algorithms developed to predict the effect of missense changes on protein structure and function (SIFT, PolyPhen-2, Align-GVGD) all suggest that this variant is likely to be tolerated. ClinVar contains an entry for this variant (Variation ID: 1486149). This variant has not been reported in the literature in individuals affected with KIF1B-related conditions. This variant is present in population databases (rs776370957, gnomAD 0.02%). This sequence change replaces serine, which is neutral and polar, with leucine, which is neutral and non-polar, at codon 1389 of the KIF1B protein (p.Ser1389Leu).